The following is an entry in ClinVar:

NM_004370.6(COL12A1):c.7202C>G (p.Thr2401Arg)

Genes: COL12A1 (collagen type XII alpha 1 chain; minus strand), LOC126859712 (MED14-independent group 3 enhancer GRCh37_chr6:75828643-75829842; plus strand). Cytogenetic location: 6q13.
Variant type: single nucleotide variant.
Coding change: c.7202C>G on transcript NM_004370.6 (MANE Select); coding-DNA position 7202, C replaced by G.
Protein change: p.Thr2401Arg; replaces threonine 2401 with arginine.
Molecular consequence: missense variant.
Genome position (GRCh38, 1-based): chr6:75,119,358, G>C on the plus strand (C>G on the coding strand, the complement: COL12A1 is on the minus strand). VCF-style: chr6-75119358-G-C. GRCh37 (hg19) VCF-style: chr6-75829074-G-C.
Other names: c.7202C>G, p.Thr2401Arg (NM_001424113.1); c.7181C>G, p.Thr2394Arg (NM_001424114.1); c.6929C>G, p.Thr2310Arg (NM_001424115.1); c.3710C>G, p.Thr1237Arg (NM_001424116.1, NM_080645.3); short protein forms T2310R, T1237R, T2394R, T2401R.
Identifiers: ClinVar variation 2947178 (VCV002947178.3), dbSNP rs2533202311, ClinGen allele CA364748396.

ClinVar aggregate classification (germline): Uncertain significance (1 of 4 stars; one submission).

Conditions:
Ullrich congenital muscular dystrophy 2 (UCMD2). Identifiers: Orphanet 75840, MedGen C4225314, MONDO:0014654, OMIM 616470.
Bethlem myopathy 2 (BTHLM2). Identifiers: Orphanet 536516, Orphanet 610, MedGen C4225313, MONDO:0034022, OMIM 616471.

Submission:

Labcorp Genetics (formerly Invitae), Labcorp
Classification: Uncertain significance for Bethlem myopathy 2; Ullrich congenital muscular dystrophy 2. Last evaluated: 2024-06-13. Review status: criteria provided, single submitter. Criteria: Invitae Variant Classification Sherloc (09022015). Collection method: clinical testing. Allele origin: germline.
Comment: This sequence change replaces threonine, which is neutral and polar, with arginine, which is basic and polar, at codon 2401 of the COL12A1 protein (p.Thr2401Arg). This variant is not present in population databases (gnomAD no frequency). This variant has not been reported in the literature in individuals affected with COL12A1-related conditions. Advanced modeling of protein sequence and biophysical properties (such as structural, functional, and spatial information, amino acid conservation, physicochemical variation, residue mobility, and thermodynamic stability) performed at Invitae indicates that this missense variant is not expected to disrupt COL12A1 protein function with a negative predictive value of 80%. In summary, the available evidence is currently insufficient to determine the role of this variant in disease. Therefore, it has been classified as a Variant of Uncertain Significance.